The following is an entry in ClinVar:

NM_006267.5(RANBP2):c.2369G>A (p.Ser790Asn)

Gene: RANBP2 (RAN binding protein 2; plus strand). Cytogenetic location: 2q13.
Variant type: single nucleotide variant.
Coding change: c.2369G>A on transcript NM_006267.5 (MANE Select); coding-DNA position 2369, G replaced by A.
Protein change: p.Ser790Asn; replaces serine 790 with asparagine.
Molecular consequence: missense variant.
Genome position (GRCh38, 1-based): chr2:108,755,071, G>A. VCF-style: chr2-108755071-G-A. GRCh37 (hg19) VCF-style: chr2-109371527-G-A.
Other names: short protein forms S790N.
Identifiers: ClinVar variation 571582 (VCV000571582.11), dbSNP rs1558908320, ClinGen allele CA348056049.
Genomic context (GRCh38, chr2:108,755,071, plus strand): 5'-ATGCAGATTCAGAAATAAAACATTCTACACCGTCTCCTACCAGATATTCACTATCACCAA[G>A]TAAAAGTTACAAGGTAAACAGGAAAGAATGGAATCATTTCATTGTGAAATTGTTTCTGTT-3'
Protein context (NP_006258.3, residues 780-800): PSPTRYSLSP[Ser790Asn]KSYKYSPKTP

ClinVar aggregate classification (germline): Uncertain significance (1 of 4 stars; one submission).

Conditions:
Familial acute necrotizing encephalopathy (IIAE3). Also called: ENCEPHALOPATHY, ACUTE, INFECTION-INDUCED, SUSCEPTIBILITY TO, 3; Susceptibility to Acute Necrotizing Encephalopathy 1. Identifiers: Orphanet 88619, MedGen C2675556, MONDO:0011953, OMIM 608033.

Submission:

Labcorp Genetics (formerly Invitae), Labcorp
Classification: Uncertain significance for Familial acute necrotizing encephalopathy. Last evaluated: 2019-05-08. Review status: criteria provided, single submitter. Criteria: Invitae Variant Classification Sherloc (09022015). Collection method: clinical testing. Allele origin: germline.
Comment: This sequence change replaces serine with asparagine at codon 790 of the RANBP2 protein (p.Ser790Asn). The serine residue is highly conserved and there is a small physicochemical difference between serine and asparagine. This variant is not present in population databases (ExAC no frequency). This variant has not been reported in the literature in individuals with RANBP2-related disease. Algorithms developed to predict the effect of missense changes on protein structure and function output the following: SIFT: "Deleterious"; PolyPhen-2: "Benign"; Align-GVGD: "Class C45". The asparagine amino acid residue is found in multiple mammalian species, suggesting that this missense change does not adversely affect protein function. These predictions have not been confirmed by published functional studies and their clinical significance is uncertain. In summary, the available evidence is currently insufficient to determine the role of this variant in disease. Therefore, it has been classified as a Variant of Uncertain Significance.